The following is an entry in ClinVar:

ClinVar aggregate classification (germline): Uncertain significance (1 of 4 stars; one submission).

Submission:

Labcorp Genetics (formerly Invitae), Labcorp
Classification: Uncertain significance. Last evaluated: 2022-08-23. Review status: criteria provided, single submitter. Criteria: Invitae Variant Classification Sherloc (09022015). Collection method: clinical testing. Allele origin: germline.
Comment: This sequence change replaces glutamic acid, which is acidic and polar, with lysine, which is basic and polar, at codon 201 of the PACS2 protein (p.Glu201Lys). This variant is not present in population databases (gnomAD no frequency). This variant has not been reported in the literature in individuals affected with PACS2-related conditions. ClinVar contains an entry for this variant (Variation ID: 1488304). Algorithms developed to predict the effect of missense changes on protein structure and function are either unavailable or do not agree on the potential impact of this missense change (SIFT: "Tolerated"; PolyPhen-2: "Possibly Damaging"; Align-GVGD: "Class C0"). In summary, the available evidence is currently insufficient to determine the role of this variant in disease. Therefore, it has been classified as a Variant of Uncertain Significance.

NM_001100913.3(PACS2):c.601G>A (p.Glu201Lys)

Gene: PACS2 (phosphofurin acidic cluster sorting protein 2; plus strand). Cytogenetic location: 14q32.33.
Variant type: single nucleotide variant.
Coding change: c.601G>A on transcript NM_001100913.3 (MANE Select); coding-DNA position 601, G replaced by A.
Protein change: p.Glu201Lys; replaces glutamic acid 201 with lysine.
Molecular consequence: missense variant.
Genome position (GRCh38, 1-based): chr14:105,368,088, G>A. VCF-style: chr14-105368088-G-A. GRCh37 (hg19) VCF-style: chr14-105834425-G-A.
Other names: c.400G>A, p.Glu134Lys (NM_001243127.3); c.601G>A, p.Glu201Lys (NM_015197.4); short protein forms E134K, E201K.
Identifiers: ClinVar variation 1488304 (VCV001488304.8), dbSNP rs2141147539, ClinGen allele CA391174331.
Genomic context (GRCh38, chr14:105,368,088, plus strand): 5'-GGGTGGAATCTCACGGCACCCTCCCTTCTGTCTGTTCATTCCGCAGATAACTACTCCGAG[G>A]AGGAGTATGAGAGCTTCTCCTCCGAGCAGGAGGCCAGTGACGACGCCGTGCAGGGGCAGG-3'
Protein context (NP_001094383.2, residues 191-211): KAKSTDNYSE[Glu201Lys]EYESFSSEQE